The following is an entry in ClinVar:

NM_012210.4(TRIM32):c.1196C>T (p.Thr399Ile)

Genes: ASTN2 (astrotactin 2; minus strand), TRIM32 (tripartite motif containing 32; plus strand). Cytogenetic location: 9q33.1.
Variant type: single nucleotide variant.
Coding change: c.1196C>T on transcript NM_012210.4 (MANE Select); coding-DNA position 1196, C replaced by T.
Protein change: p.Thr399Ile; replaces threonine 399 with isoleucine.
Molecular consequence: missense variant. On other transcripts: intron variant (3).
Genome position (GRCh38, 1-based): chr9:116,698,938, C>T. VCF-style: chr9-116698938-C-T. GRCh37 (hg19) VCF-style: chr9-119461217-C-T.
Other names: c.1196C>T, p.Thr399Ile (NM_001099679.2, NM_001379048.1, NM_001379049.1 and 1 more transcripts); c.2653+26833G>A (NM_014010.5); c.2794+26833G>A (NM_001365069.1); c.2806+26833G>A (NM_001365068.1); short protein forms T399I.
Identifiers: ClinVar variation 531835 (VCV000531835.8), dbSNP rs1182257457, ClinGen allele CA374651162.
Genomic context (GRCh38, chr9:116,698,938, plus strand): 5'-TGACCAGTCAAGGTGAAGTACTAGTCGCTGACCGTGGTAACTATCGTATACAAGTCTTTA[C>T]CCGCAAAGGCTTTTTGAAGGAAATCCGCCGCAGCCCCAGTGGCATTGATAGCTTTGTGCT-3'
Protein context (NP_036342.2, residues 389-409): DRGNYRIQVF[Thr399Ile]RKGFLKEIRR

ClinVar aggregate classification (germline): Uncertain significance. Review status: criteria provided, multiple submitters, no conflicts (2 of 4 stars). 3 submissions from 3 submitters: Uncertain significance (2). 1 of the submissions does not count toward it. Last evaluated 2024-01-09.

Conditions:
Sarcotubular myopathy (LGMDR8). Also called: MUSCULAR DYSTROPHY, LIMB-GIRDLE, AUTOSOMAL RECESSIVE 8; Autosomal recessive limb-girdle muscular dystrophy type 2H; Limb-girdle muscular dystrophy, type 2H; Hutterite type of muscular dystrophy. Identifiers: Orphanet 1878, MedGen C0270968, MONDO:0009683, OMIM 254110.
Bardet-Biedl syndrome 11 (BBS11). Identifiers: Orphanet 110, MedGen C1859569, MONDO:0014439, OMIM 615988.
TRIM32-related disorder. Also called: TRIM32-related condition.
Bardet-Biedl syndrome (BBS). Identifiers: Orphanet 110, MedGen C0752166, MONDO:0015229.

Allele frequency attached by ClinVar (database versions not stated): gnomAD exomes 0.00001 and below 0.00001; gnomAD 0.00001; TOPMed below 0.00001.
gnomAD v4.1: 7 of 1,614,064 alleles (0.00043%); highest among the groups gnomAD compares: Non-Finnish European, 0.00059%; no homozygotes.

Submissions (3):

Fulgent Genetics
Classification: Uncertain significance for Sarcotubular myopathy; Bardet-Biedl syndrome 11. Last evaluated: 2024-01-09. Review status: criteria provided, single submitter. Criteria: ACMG Guidelines, 2015. Collection method: clinical testing. Allele origin: germline.

Labcorp Genetics (formerly Invitae), Labcorp
Classification: Uncertain significance for Bardet-Biedl syndrome. Last evaluated: 2022-08-31. Review status: criteria provided, single submitter. Criteria: Invitae Variant Classification Sherloc (09022015). Collection method: clinical testing. Allele origin: germline.
Comment: This sequence change replaces threonine, which is neutral and polar, with isoleucine, which is neutral and non-polar, at codon 399 of the TRIM32 protein (p.Thr399Ile). This variant is present in population databases (no rsID available, gnomAD 0.0009%). This variant has not been reported in the literature in individuals affected with TRIM32-related conditions. ClinVar contains an entry for this variant (Variation ID: 531835). Algorithms developed to predict the effect of missense changes on protein structure and function are either unavailable or do not agree on the potential impact of this missense change (SIFT: "Deleterious"; PolyPhen-2: "Benign"; Align-GVGD: "Class C15"). In summary, the available evidence is currently insufficient to determine the role of this variant in disease. Therefore, it has been classified as a Variant of Uncertain Significance.

PreventionGenetics, part of Exact Sciences
Classification: Uncertain significance for TRIM32-related condition. Last evaluated: 2024-06-14. Review status: no assertion criteria provided. Collection method: clinical testing. Allele origin: germline. Not counted in ClinVar's aggregate classification.
Comment: The TRIM32 c.1196C>T variant is predicted to result in the amino acid substitution p.Thr399Ile. This variant was reported in the heterozygous state in an individual with TRIM32-related myopathies; however, a second variant was not identified (Table S1, Johnson et al. 2019. PubMed ID: 29921608). This variant is reported in 0.00088% of alleles in individuals of European (Non-Finnish) descent in gnomAD. At this time, the clinical significance of this variant is uncertain due to the absence of conclusive functional and genetic evidence.